The following is an entry in ClinVar:

NM_017780.4(CHD7):c.7820del (p.Ser2607fs)

Gene: CHD7 (chromodomain helicase DNA binding protein 7; plus strand). Cytogenetic location: 8q12.2.
Variant type: Deletion.
Coding change: c.7820del on transcript NM_017780.4 (MANE Select); coding-DNA position 7820, one base deleted (G; older notation c.7820delG).
Protein change: p.Ser2607fs; shifts the reading frame from serine 2607.
Molecular consequence: frameshift variant. On other transcripts: intron variant (1).
Genome position (GRCh38, 1-based): chr8:60,861,115, G deleted. VCF-style (leftmost placement, unchanged base first): chr8-60861114-AG-A. GRCh37 (hg19) VCF-style: chr8-61773673-AG-A.
Other names: c.1717-1114del (NM_001316690.1); c.7820del (LRG_176t1); short protein forms S2607fs.
Identifiers: ClinVar variation 280640 (VCV000280640.2), dbSNP rs886041808, ClinGen allele CA10603122.
Genomic context (GRCh38, chr8:60,861,114, plus strand): 5'-AAAAATAAGGATTTAGTTGAATGGCTGAAGCTGCACCCTACTTACACTGTTGATATGCCA[AG>A]TTATGTACCAGTGAGTATTGCAGAGTTTAGAGTTGGAAGGAATCTTGCAGGCCGGTCCAC-3'

ClinVar aggregate classification (germline): Pathogenic (1 of 4 stars; one submission).

Submission:

GeneDx
Classification: Pathogenic. Last evaluated: 2016-05-27. Review status: criteria provided, single submitter. Criteria: GeneDx Variant Classification (06012015). Collection method: clinical testing. Allele origin: germline. Affected: yes.
Comment: The c.7820delG variant in the CHD7 gene has not been reported previously as a pathogenic variant nor as a benign variant, to our knowledge. The c.7820delG variant causes a frameshift starting with codon Serine 2607, changes this amino acid to an Isoleucine residue, and creates a premature Stop codon at position 32 of the new reading frame, denoted p.Ser2607IlefsX32. This variant is predicted to cause loss of normal protein function either through protein truncation or nonsense-mediated mRNA decay. The c.7820delG variant was not observed in approximately 6,100 individuals of European and African American ancestry in the NHLBI Exome Sequencing Project, indicating it is not a common benign variant in these populations. We interpret c.7820delG as a pathogenic variant.